The following continues an entry in ClinVar:

NM_000152.5(GAA):c.258dup (p.Asn87fs)

Gene: GAA. ClinVar aggregate classification (germline): Pathogenic. Pathogenic (1).

Submissions 11 to 15 of 15:

Women's Health and Genetics/Laboratory Corporation of America, LabCorp
Classification: Pathogenic for Glycogen storage disease, type II. Last evaluated: 2020-02-09. Review status: criteria provided, single submitter. Criteria: LabCorp Variant Classification Summary - May 2015. Collection method: clinical testing. Allele origin: germline. Not counted in ClinVar's aggregate classification.
Comment: Variant summary: GAA c.258dupC (p.Asn87GlnfsX9) results in a premature termination codon, predicted to cause a truncation of the encoded protein or absence of the protein due to nonsense mediated decay, which are commonly known mechanisms for disease. Truncations downstream of this position have been classified as pathogenic by our laboratory. The variant allele was found at a frequency of 1.2e-05 in 246016 control chromosomes. c.258dupC has been reported in the literature in individuals affected with Glycogen Storage Disease, Type 2 (Pompe Disease) (example, Beesley_1998, Montalvo_2006, Bali_2011, Nallamilli_2018, Kishnani_2019). These data indicate that the variant is likely to be associated with disease. To our knowledge, no experimental evidence demonstrating an impact on protein function has been reported. Two clinical diagnostic laboratories have submitted clinical-significance assessments for this variant to ClinVar after 2014 without evidence for independent evaluation. All laboratories classified the variant as pathogenic. Based on the evidence outlined above, the variant was classified as pathogenic.

Broad Center for Mendelian Genomics, Broad Institute of MIT and Harvard
Classification: Pathogenic for Glycogen storage disease, type II. Last evaluated: 2020-01-22. Review status: criteria provided, single submitter. Criteria: ACMG Guidelines, 2015. Collection method: curation. Allele origin: germline. Inheritance: Autosomal recessive inheritance. Not counted in ClinVar's aggregate classification.
Comment: Data from large population studies is insufficient to assess the frequency of this variant. This variant is predicted to cause a frameshift, which alters the protein's amino acid sequence beginning at position 87 and leads to a premature termination codon 9 amino acids downstream. This alteration is then predicted to lead to a truncated or absent protein. Loss of function of the GAA gene is a moderately established disease mechanism in autosomal recessive Glycogen Storage Disease II. The presence of this variant in combination with a pathogenic variant and in an individual with Glycogen Storage Disease II increases the likelihood that the p.Asn87GlnfsTer9 variant is pathogenic (PMID: 26873529). The phenotype of an individual heterozygous for this variant is highly specific for Glycogen Storage Disease II with less than 5% of normal GAA activity detected in their fibroblasts (PMID: 21484825, 26873529). In summary, this variant meets criteria to be classified as pathogenic for Glycogen Storage Disorder II in an autosomal recessive manner based on the predicted impact of the variant and an occurrence with a pathogenic GAA variant in an individual with Glycogen Storage Disorder II. ACMG/AMP Criteria applied: PVS1, PM3_Supporting, PP4 (Richards 2015).

Eurofins Ntd Llc (ga)
Classification: Pathogenic. Last evaluated: 2015-08-18. Review status: criteria provided, single submitter. Criteria: EGL Classification Definitions. Collection method: clinical testing. Allele origin: germline. Observed: 1 variant allele, 1 heterozygote. Not counted in ClinVar's aggregate classification.

Clinical Genetics DNA and cytogenetics Diagnostics Lab, Erasmus MC, Erasmus Medical Center
Classification: Pathogenic. Review status: no assertion criteria provided. Collection method: clinical testing. Allele origin: germline. Affected: yes. Study: VKGL Data-share Consensus. Not counted in ClinVar's aggregate classification.

Genome Diagnostics Laboratory, Amsterdam University Medical Center
Classification: Pathogenic. Review status: no assertion criteria provided. Collection method: clinical testing. Allele origin: germline. Affected: yes. Study: VKGL Data-share Consensus. Not counted in ClinVar's aggregate classification.

Literature cited by the submitters: PubMed 31086307 (cited by 3 submitters); PubMed 29961517 (cited by Genomenon, Inc); PubMed 31676142 (cited by Genomenon, Inc); PubMed 28814660 (cited by Genomenon, Inc); PubMed 18425781 (cited by Labcorp Genetics (formerly Invitae), Labcorp); PubMed 22252923 (cited by Labcorp Genetics (formerly Invitae), Labcorp); PubMed 10206684 (cited by 3 submitters); PubMed 16917947 (cited by 4 submitters); PubMed 21484825 (cited by 3 submitters); PubMed 31467850 (cited by Natera, Inc.); PubMed 30564623 (cited by Women's Health and Genetics/Laboratory Corporation of America, LabCorp); PubMed 26873529 (cited by Broad Center for Mendelian Genomics, Broad Institute of MIT and Harvard).